The following is an entry in ClinVar:

NM_001371072.1(USP11):c.2465C>T (p.Ser822Leu)

Gene: USP11 (ubiquitin specific peptidase 11; plus strand). Cytogenetic location: Xp11.3.
Variant type: single nucleotide variant.
Coding change: c.2465C>T on transcript NM_001371072.1 (MANE Select); coding-DNA position 2465, C replaced by T.
Protein change: p.Ser822Leu; replaces serine 822 with leucine.
Molecular consequence: missense variant.
Genome position (GRCh38, 1-based): chrX:47,247,348, C>T. VCF-style: chrX-47247348-C-T. GRCh37 (hg19) VCF-style: chrX-47106747-C-T.
Other names: NM_004651.3:c.2594C>T; short protein forms S822L.
Identifiers: ClinVar variation 2660418 (VCV002660418.25), dbSNP rs200769176, ClinGen allele CA10397258.

ClinVar aggregate classification (germline): Conflicting classifications of pathogenicity. Review status: criteria provided, conflicting classifications (1 of 4 stars). 2 submissions from 2 submitters: Uncertain significance (1); Likely benign (1). Last evaluated 2023-03-01.

Allele frequency attached by ClinVar (database versions not stated): gnomAD 0.00011; TOPMed 0.00011; 1000 Genomes Project 30x 0.00021; ExAC 0.00025; 1000 Genomes Project 0.00026.
gnomAD v4.1: 108 of 1,209,308 alleles (0.0089%); highest among the groups gnomAD compares: East Asian, 0.12%; no homozygotes.

Submissions (2):

CeGaT Center for Human Genetics Tuebingen
Classification: Likely benign. Last evaluated: 2023-03-01. Review status: criteria provided, single submitter. Criteria: CeGaT Center For Human Genetics Tuebingen Variant Classification Criteria Version 2. Collection method: clinical testing. Allele origin: germline. Affected: yes. Observed: 1 variant allele.
Comment: USP11: PP2, BP4, BS2

Ambry Genetics
Classification: Uncertain significance. Last evaluated: 2021-09-09. Review status: criteria provided, single submitter. Criteria: Ambry Variant Classification Scheme 2023. Collection method: clinical testing. Allele origin: germline.